The following is an entry in ClinVar:

NM_139276.3(STAT3):c.1991A>T (p.Asn664Ile)

Gene: STAT3 (signal transducer and activator of transcription 3; minus strand). Cytogenetic location: 17q21.2.
Variant type: single nucleotide variant.
Coding change: c.1991A>T on transcript NM_139276.3 (MANE Select); coding-DNA position 1991, A replaced by T.
Protein change: p.Asn664Ile; replaces asparagine 664 with isoleucine.
Molecular consequence: missense variant.
Genome position (GRCh38, 1-based): chr17:42,322,392, T>A on the plus strand (A>T on the coding strand, the complement: STAT3 is on the minus strand). VCF-style: chr17-42322392-T-A. GRCh37 (hg19) VCF-style: chr17-40474410-T-A.
Other names: c.1991A>T, p.Asn664Ile (NM_001369513.1, NM_001369514.1, NM_001369516.1 and 9 more transcripts); c.1907A>T, p.Asn636Ile (NM_001384984.1); c.1913A>T, p.Asn638Ile (NM_001384985.1); c.2006A>T, p.Asn669Ile (NM_001384986.1, NM_001384990.1); c.1970A>T, p.Asn657Ile (NM_001384987.1); c.1895A>T, p.Asn632Ile (NM_001384989.1); c.1964A>T, p.Asn655Ile (NM_001384991.1); c.1931A>T, p.Asn644Ile (NM_001384992.1); short protein forms N632I, N636I, N638I, N644I, N655I, N657I, N664I, N669I.
Identifiers: ClinVar variation 3753764 (VCV003753764.2).

ClinVar aggregate classification (germline): Uncertain significance (1 of 4 stars; one submission).

Conditions:
Hyper-IgE recurrent infection syndrome 1, autosomal dominant. Also called: STAT3 Hyper IgE Syndrome; Hyper-IgE recurrent infection syndrome 1; JOB SYNDROME; Job's Syndrome; HYPER-IgE SYNDROME 1, AUTOSOMAL DOMINANT, WITH RECURRENT INFECTIONS. Identifiers: Orphanet 2314, MedGen C2936739, MONDO:0007818, OMIM 147060.
STAT3 gain of function. Identifiers: MedGen C4288261.

Submission:

Labcorp Genetics (formerly Invitae), Labcorp
Classification: Uncertain significance for STAT3 gain of function; Hyper-IgE recurrent infection syndrome 1, autosomal dominant. Last evaluated: 2024-06-26. Review status: criteria provided, single submitter. Criteria: Invitae Variant Classification Sherloc (09022015). Collection method: clinical testing. Allele origin: germline.
Comment: This sequence change replaces asparagine, which is neutral and polar, with isoleucine, which is neutral and non-polar, at codon 664 of the STAT3 protein (p.Asn664Ile). This variant is not present in population databases (gnomAD no frequency). This variant has not been reported in the literature in individuals affected with STAT3-related conditions. Advanced modeling of protein sequence and biophysical properties (such as structural, functional, and spatial information, amino acid conservation, physicochemical variation, residue mobility, and thermodynamic stability) performed at Invitae indicates that this missense variant is expected to disrupt STAT3 protein function with a positive predictive value of 95%. In summary, the available evidence is currently insufficient to determine the role of this variant in disease. Therefore, it has been classified as a Variant of Uncertain Significance.